The following is an entry in ClinVar:

NM_001329943.3(KIAA0586):c.729C>G (p.His243Gln)

Gene: KIAA0586 (KIAA0586; plus strand). Cytogenetic location: 14q23.1.
Variant type: single nucleotide variant.
Coding change: c.729C>G on transcript NM_001329943.3 (MANE Select); coding-DNA position 729, C replaced by G.
Protein change: p.His243Gln; replaces histidine 243 with glutamine.
Molecular consequence: missense variant.
Genome position (GRCh38, 1-based): chr14:58,444,097, C>G. VCF-style: chr14-58444097-C-G. GRCh37 (hg19) VCF-style: chr14-58910815-C-G.
Other names: c.888C>G, p.His296Gln (NM_001244189.2); c.684C>G, p.His228Gln (NM_001244190.2); c.474C>G, p.His158Gln (NM_001244191.2, NM_001329945.2, NM_001364700.1 and 1 more transcripts); c.597C>G, p.His199Gln (NM_001244192.2); c.309C>G, p.His103Gln (NM_001244193.2); c.729C>G, p.His243Gln (NM_001329944.2, NM_001329946.2, NM_001329947.2 and 1 more transcripts); c.729C>G (NM_014749.3); short protein forms H199Q, H228Q, H243Q, H103Q, H158Q, H296Q.
Identifiers: ClinVar variation 1374954 (VCV001374954.6), dbSNP rs774888789, ClinGen allele CA7205458.

ClinVar aggregate classification (germline): Uncertain significance. Review status: criteria provided, multiple submitters, no conflicts (2 of 4 stars). 2 submissions from 2 submitters: Uncertain significance (2). Last evaluated 2024-11-08.

Conditions:
Joubert syndrome 23 (JBTS23). Identifiers: Orphanet 475, MedGen C4084822, MONDO:0014664, OMIM 616490.
Short-rib thoracic dysplasia 14 with polydactyly (SRTD14). Identifiers: Orphanet 397715, MedGen C4225286, MONDO:0014688, OMIM 616546.
Inborn genetic diseases. Identifiers: MedGen C0950123, MeSH D030342.

gnomAD v4.1: 50 of 1,613,414 alleles (0.0031%); highest among the groups gnomAD compares: African/African-American, 0.051%; no homozygotes.

Submissions (2):

Ambry Genetics
Classification: Uncertain significance for Inborn genetic diseases. Last evaluated: 2024-11-08. Review status: criteria provided, single submitter. Criteria: Ambry Variant Classification Scheme 2023. Collection method: clinical testing. Allele origin: germline.

Labcorp Genetics (formerly Invitae), Labcorp
Classification: Uncertain significance for Joubert syndrome 23; Short-rib thoracic dysplasia 14 with polydactyly. Last evaluated: 2023-12-14. Review status: criteria provided, single submitter. Criteria: Invitae Variant Classification Sherloc (09022015). Collection method: clinical testing. Allele origin: germline.
Comment: This sequence change replaces histidine, which is basic and polar, with glutamine, which is neutral and polar, at codon 296 of the KIAA0586 protein (p.His296Gln). This variant is present in population databases (rs774888789, gnomAD 0.04%). This variant has not been reported in the literature in individuals affected with KIAA0586-related conditions. ClinVar contains an entry for this variant (Variation ID: 1374954). Advanced modeling of protein sequence and biophysical properties (such as structural, functional, and spatial information, amino acid conservation, physicochemical variation, residue mobility, and thermodynamic stability) has been performed at Invitae for this missense variant, however the output from this modeling did not meet the statistical confidence thresholds required to predict the impact of this variant on KIAA0586 protein function. In summary, the available evidence is currently insufficient to determine the role of this variant in disease. Therefore, it has been classified as a Variant of Uncertain Significance.